The following is an entry in ClinVar:

ClinVar aggregate classification (germline): Uncertain significance. Review status: criteria provided, multiple submitters, no conflicts (2 of 4 stars). 2 submissions from 2 submitters: Uncertain significance (2). Last evaluated 2026-06-05.

Conditions:
Inborn genetic diseases. Identifiers: MedGen C0950123, MeSH D030342.
Febrile seizures, familial, 8 (FEB8). Also called: CONVULSIONS, FAMILIAL FEBRILE, 8. Identifiers: Orphanet 36387, MedGen C1969810, MONDO:0011891, OMIM 607681.
EPILEPSY, CHILDHOOD ABSENCE, SUSCEPTIBILITY TO, 2 (ECA2). Identifiers: Orphanet 64280, MedGen C1843244, OMIM 607681.

Submissions (2):

Ambry Genetics
Classification: Uncertain significance for Inborn genetic diseases. Last evaluated: 2026-06-05. Review status: criteria provided, single submitter. Criteria: Ambry Variant Classification Scheme 2023. Collection method: clinical testing. Allele origin: germline.

Labcorp Genetics (formerly Invitae), Labcorp
Classification: Uncertain significance for Febrile seizures, familial, 8; EPILEPSY, CHILDHOOD ABSENCE, SUSCEPTIBILITY TO, 2. Last evaluated: 2023-05-23. Review status: criteria provided, single submitter. Criteria: Invitae Variant Classification Sherloc (09022015). Collection method: clinical testing. Allele origin: germline.
Comment: In summary, the available evidence is currently insufficient to determine the role of this variant in disease. Therefore, it has been classified as a Variant of Uncertain Significance. Advanced modeling of protein sequence and biophysical properties (such as structural, functional, and spatial information, amino acid conservation, physicochemical variation, residue mobility, and thermodynamic stability) performed at Invitae indicates that this missense variant is not expected to disrupt GABRG2 protein function. This variant has not been reported in the literature in individuals affected with GABRG2-related conditions. This variant is not present in population databases (gnomAD no frequency). This sequence change replaces serine, which is neutral and polar, with alanine, which is neutral and non-polar, at codon 241 of the GABRG2 protein (p.Ser241Ala).

NM_198904.4(GABRG2):c.721T>G (p.Ser241Ala)

Gene: GABRG2 (gamma-aminobutyric acid type A receptor subunit gamma2; plus strand). Cytogenetic location: 5q34.
Variant type: single nucleotide variant.
Coding change: c.721T>G on transcript NM_198904.4 (MANE Select); coding-DNA position 721, T replaced by G.
Protein change: p.Ser241Ala; replaces serine 241 with alanine.
Molecular consequence: missense variant.
Genome position (GRCh38, 1-based): chr5:162,103,978, T>G. VCF-style: chr5-162103978-T-G. GRCh37 (hg19) VCF-style: chr5-161530984-T-G.
Other names: c.721T>G, p.Ser241Ala (NM_000816.3, NM_001375340.1, NM_001375341.1 and 2 more transcripts); c.712T>G, p.Ser238Ala (NM_001375339.1); c.841T>G, p.Ser281Ala (NM_001375343.1, NM_198903.2); c.655T>G, p.Ser219Ala (NM_001375345.1, NM_001375346.1); c.634T>G, p.Ser212Ala (NM_001375347.1); c.301T>G, p.Ser101Ala (NM_001375348.1, NM_001375350.1); c.436T>G, p.Ser146Ala (NM_001375349.1); short protein forms S101A, S212A, S219A, S146A, S238A, S241A, S281A.
Identifiers: ClinVar variation 2939080 (VCV002939080.4), dbSNP rs2532592671, ClinGen allele CA362185164.